The following is an entry in ClinVar:

ClinVar aggregate classification (germline): Uncertain significance (1 of 4 stars; one submission).

Conditions:
Catecholaminergic polymorphic ventricular tachycardia 1. Also called: RYR2-Related Catecholaminergic Polymorphic Ventricular Tachycardia; VENTRICULAR TACHYCARDIA, STRESS-INDUCED POLYMORPHIC 1; VENTRICULAR TACHYCARDIA, CATECHOLAMINERGIC POLYMORPHIC, 1, WITH OR WITHOUT ATRIAL DYSFUNCTION AND/OR DILATED CARDIOMYOPATHY. Identifiers: Orphanet 3286, MedGen C1631597, MONDO:0011484, OMIM 604772.

Submission:

Labcorp Genetics (formerly Invitae), Labcorp
Classification: Uncertain significance for Catecholaminergic polymorphic ventricular tachycardia 1. Last evaluated: 2022-03-20. Review status: criteria provided, single submitter. Criteria: Invitae Variant Classification Sherloc (09022015). Collection method: clinical testing. Allele origin: germline.
Comment: Experimental studies and prediction algorithms are not available or were not evaluated, and the functional significance of this variant is currently unknown. This variant has not been reported in the literature in individuals affected with TRDN-related conditions. The frequency data for this variant in the population databases is considered unreliable, as metrics indicate poor data quality at this position in the gnomAD database. This variant, c.515_520del, results in the deletion of 2 amino acid(s) of the TRDN protein (p.Glu172_Lys173del), but otherwise preserves the integrity of the reading frame. In summary, the available evidence is currently insufficient to determine the role of this variant in disease. Therefore, it has been classified as a Variant of Uncertain Significance.

NM_006073.4(TRDN):c.515_520del (p.Glu172_Lys173del)

Gene: TRDN (triadin; minus strand). Cytogenetic location: 6q22.31.
Variant type: Deletion.
Coding change: c.515_520del on transcript NM_006073.4 (MANE Select); coding-DNA positions 515 to 520, 6 bases deleted (AAAAAG; older notation c.515_520delAAAAAG).
Protein change: p.Glu172_Lys173del.
Molecular consequence: inframe deletion. On other transcripts: inframe indel (1).
Genome position (GRCh38, 1-based): chr6:123,516,171-123,516,176, CTTTTT deleted on the plus strand (AAAAAG on the coding strand, the reverse complement: TRDN is on the minus strand); deleting any 6 consecutive bases within chr6:123,516,171-123,516,181 gives the same sequence; the c. name uses the placement nearest the transcript's 3' end. VCF-style (leftmost placement, unchanged base first): chr6-123516170-ACTTTTT-A. GRCh37 (hg19) VCF-style: chr6-123837315-ACTTTTT-A.
Other names: c.515_520del, p.Glu172_Lys173del (NM_001251987.2, NM_001256020.2, NM_001256021.2); c.510_515delAAAAGA, p.Glu172_Lys173del (NM_001407315.1).
Identifiers: ClinVar variation 1909235 (VCV001909235.3), dbSNP rs1429288578, ClinGen allele CA570335973.